The following is an entry in ClinVar:

NM_213720.3(CHCHD10):c.273C>A (p.Pro91=)

Gene: CHCHD10 (coiled-coil-helix-coiled-coil-helix domain containing 10; minus strand). Cytogenetic location: 22q11.23.
Variant type: single nucleotide variant.
Coding change: c.273C>A on transcript NM_213720.3 (MANE Select); coding-DNA position 273, C replaced by A.
Protein change: p.Pro91=; no amino-acid change (proline 91 retained).
Molecular consequence: synonymous variant. On other transcripts: non-coding transcript variant (2).
Genome position (GRCh38, 1-based): chr22:23,766,264, G>T on the plus strand (C>A on the coding strand, the complement: CHCHD10 is on the minus strand). VCF-style: chr22-23766264-G-T. GRCh37 (hg19) VCF-style: chr22-24108451-G-T.
Other names: c.294C>A, p.Pro98= (NM_001301339.2).
Identifiers: ClinVar variation 1955643 (VCV001955643.5), dbSNP rs773772416, ClinGen allele CA410915199.

ClinVar aggregate classification (germline): Uncertain significance (1 of 4 stars; one submission).

Conditions:
Lower motor neuron syndrome with late-adult onset (SMAJ). Also called: Late-Onset Spinal Motor Neuronopathy (SMAJ); Spinal muscular atrophy, Jokela type. Identifiers: Orphanet 276435, MedGen C3554398, MONDO:0014025, OMIM 615048.
Frontotemporal dementia and/or amyotrophic lateral sclerosis 2. Also called: FTDALS2. Identifiers: Orphanet 275872, MedGen C4014648, MONDO:0014395, OMIM 615911.
Autosomal dominant mitochondrial myopathy with exercise intolerance (IMMD). Also called: Myopathy, isolated mitochondrial, autosomal dominant. Identifiers: Orphanet 457050, MedGen C4015513, MONDO:0014532, OMIM 616209.

Submission:

Labcorp Genetics (formerly Invitae), Labcorp
Classification: Uncertain significance for Lower motor neuron syndrome with late-adult onset; Frontotemporal dementia and/or amyotrophic lateral sclerosis 2; Autosomal dominant mitochondrial myopathy with exercise intolerance. Last evaluated: 2022-09-06. Review status: criteria provided, single submitter. Criteria: Invitae Variant Classification Sherloc (09022015). Collection method: clinical testing. Allele origin: germline.
Comment: In summary, the available evidence is currently insufficient to determine the role of this variant in disease. Therefore, it has been classified as a Variant of Uncertain Significance. Algorithms developed to predict the effect of sequence changes on RNA splicing suggest that this variant may disrupt the consensus splice site. This variant has not been reported in the literature in individuals affected with CHCHD10-related conditions. The frequency data for this variant in the population databases is considered unreliable, as metrics indicate poor data quality at this position in the gnomAD database. This sequence change affects codon 91 of the CHCHD10 mRNA. It is a 'silent' change, meaning that it does not change the encoded amino acid sequence of the CHCHD10 protein.